The following is an entry in ClinVar:

ClinVar aggregate classification (germline): Uncertain significance (1 of 4 stars; one submission).

Conditions:
Immunodeficiency 39 (IMD39). Identifiers: Orphanet 574918, MedGen C4225358, MONDO:0014597, OMIM 616345.

Submission:

Labcorp Genetics (formerly Invitae), Labcorp
Classification: Uncertain significance for Immunodeficiency 39. Last evaluated: 2025-03-27. Review status: criteria provided, single submitter. Criteria: Invitae Variant Classification Sherloc (09022015). Collection method: clinical testing. Allele origin: germline.
Comment: This sequence change replaces serine, which is neutral and polar, with asparagine, which is neutral and polar, at codon 258 of the IRF7 protein (p.Ser258Asn). This variant is not present in population databases (gnomAD no frequency). This variant has not been reported in the literature in individuals affected with IRF7-related conditions. ClinVar contains an entry for this variant (Variation ID: 2875375). An algorithm developed to predict the effect of missense changes on protein structure and function outputs the following: PolyPhen-2: "Benign". The asparagine amino acid residue is found in multiple mammalian species, which suggests that this missense change does not adversely affect protein function. In summary, the available evidence is currently insufficient to determine the role of this variant in disease. Therefore, it has been classified as a Variant of Uncertain Significance.

NM_001572.5(IRF7):c.734G>A (p.Ser245Asn)

Gene: IRF7 (interferon regulatory factor 7; minus strand). Cytogenetic location: 11p15.5.
Variant type: single nucleotide variant.
Coding change: c.734G>A on transcript NM_001572.5 (MANE Select); coding-DNA position 734, G replaced by A.
Protein change: p.Ser245Asn; replaces serine 245 with asparagine.
Molecular consequence: missense variant. On other transcripts: intron variant (1).
Genome position (GRCh38, 1-based): chr11:613,983, C>T on the plus strand (G>A on the coding strand, the complement: IRF7 is on the minus strand). VCF-style: chr11-613983-C-T. GRCh37 (hg19) VCF-style: chr11-613983-C-T.
Other names: c.773G>A, p.Ser258Asn (NM_004031.4); c.680-118G>A (NM_004029.4); short protein forms S245N, S258N.
Identifiers: ClinVar variation 2875375 (VCV002875375.3), dbSNP rs1856647759, ClinGen allele CA378980198.
Genomic context (GRCh38, chr11:613,983, plus strand): 5'-CAGGCCTCCCAACCCCTACCCCTCTCACCTGTCGTTAGTGCCGCGGGCTGGGGCCCGGGG[C>T]TGGGGGTCGTCTCTACTGCCCACCCGTACAGCTCCCCAGCAGGGAGCCCTGGGCCTGAGG-3'
Protein context (NP_001563.2, residues 235-255): LYGWAVETTP[Ser245Asn]PGPQPAALTT